The following is an entry in ClinVar:

NM_001035.3(RYR2):c.8205C>A (p.Asp2735Glu)

Gene: RYR2 (ryanodine receptor 2; plus strand). Cytogenetic location: 1q43.
Variant type: single nucleotide variant.
Coding change: c.8205C>A on transcript NM_001035.3 (MANE Select); coding-DNA position 8205, C replaced by A.
Protein change: p.Asp2735Glu; replaces aspartic acid 2735 with glutamic acid.
Molecular consequence: missense variant.
Genome position (GRCh38, 1-based): chr1:237,658,019, C>A. VCF-style: chr1-237658019-C-A. GRCh37 (hg19) VCF-style: chr1-237821319-C-A.
Other names: p.D2735E:GAC>GAA; c.8205C>A, p.Asp2735Glu (LRG_402t1); short protein forms D2735E.
Identifiers: ClinVar variation 201388 (VCV000201388.24), dbSNP rs794728823, ClinGen allele CA010879.
Genomic context (GRCh38, chr1:237,658,019, plus strand): 5'-GAAATTGGAATACTTCATTAACAAATATGCAGAACACTCCCATGACAAATGGTCAATGGA[C>A]AAGGTAAAAAGAGTATTACATTCTAATTCAGTAGTCATTATTAATGACTGGTCACTGTTC-3'
Protein context (NP_001026.2, residues 2725-2745): AEHSHDKWSM[Asp2735Glu]KLANGWIYGE

ClinVar aggregate classification (germline): Conflicting classifications of pathogenicity. Review status: criteria provided, conflicting classifications (1 of 4 stars). 5 submissions from 5 submitters: Uncertain significance (3); Likely benign (2). Last evaluated 2025-09-20.

Conditions:
Cardiovascular phenotype. Identifiers: MedGen CN230736.
Cardiomyopathy (CMYO). Also called: Cardiomyopathies. Identifiers: Orphanet 167848, MedGen C0878544, MONDO:0004994, HP:0001638. Inheritance: Various modes of inheritance.
Catecholaminergic polymorphic ventricular tachycardia (CVPT). Also called: Catecholamine-induced polymorphic ventricular tachycardia. Identifiers: Orphanet 3286, MedGen C5574922, MONDO:0017990.
Catecholaminergic polymorphic ventricular tachycardia 1. Also called: RYR2-Related Catecholaminergic Polymorphic Ventricular Tachycardia; VENTRICULAR TACHYCARDIA, CATECHOLAMINERGIC POLYMORPHIC, 1, WITH OR WITHOUT ATRIAL DYSFUNCTION AND/OR DILATED CARDIOMYOPATHY; VENTRICULAR TACHYCARDIA, STRESS-INDUCED POLYMORPHIC 1. Identifiers: Orphanet 3286, MedGen C1631597, MONDO:0011484, OMIM 604772.

Allele frequency attached by ClinVar (database versions not stated): gnomAD 0.00002 and 0.00003; TOPMed 0.00008.
gnomAD v4.1: 9 of 1,483,856 alleles (0.00061%); highest among the groups gnomAD compares: African/African-American, 0.011%; no homozygotes.

Submissions (5):

Labcorp Genetics (formerly Invitae), Labcorp
Classification: Likely benign for Catecholaminergic polymorphic ventricular tachycardia 1. Last evaluated: 2025-09-20. Review status: criteria provided, single submitter. Criteria: Invitae Variant Classification Sherloc (09022015). Collection method: clinical testing. Allele origin: germline.

Ambry Genetics
Classification: Likely benign for Cardiovascular phenotype. Last evaluated: 2025-07-31. Review status: criteria provided, single submitter. Criteria: Ambry Variant Classification Scheme 2023. Collection method: clinical testing. Allele origin: germline.

All of Us Research Program, National Institutes of Health
Classification: Uncertain significance for Catecholaminergic polymorphic ventricular tachycardia. Last evaluated: 2024-06-11. Review status: criteria provided, single submitter. Criteria: ACMG Guidelines, 2015. Collection method: clinical testing. Allele origin: germline. Inheritance: Autosomal dominant inheritance. Observed: 1 variant allele, 1 heterozygote.
Comment: This variant is located in the RYR2 protein. Computational prediction suggests that this variant may not impact protein structure and function (internally defined REVEL score threshold <= 0.5, PMID: 27666373). To our knowledge, functional studies have not been reported for this variant. This variant has not been reported in individuals affected with cardiovascular disorders in the literature. This variant has been identified in 2/31274 chromosomes in the general population by the Genome Aggregation Database (gnomAD). The available evidence is insufficient to determine the role of this variant in disease conclusively. Therefore, this variant is classified as a Variant of Uncertain Significance.

This study involves interpretation of variants in research participants for the purpose of population health screening. Participant phenotype was not available at the time of variant classification. Additional details can be found in publication PMID: 35346344, PMCID: PMC8962531

Color Diagnostics, LLC DBA Color Health
Classification: Uncertain significance for Cardiomyopathy. Last evaluated: 2024-03-06. Review status: criteria provided, single submitter. Criteria: ACMG Guidelines, 2015. Collection method: clinical testing. Allele origin: germline.
Comment: This variant is located in the RYR2 protein. Computational prediction suggests that this variant may not impact protein structure and function (internally defined REVEL score threshold <= 0.5, PMID: 27666373). To our knowledge, functional studies have not been reported for this variant. This variant has not been reported in individuals affected with cardiovascular disorders in the literature. This variant has been identified in 2/31274 chromosomes in the general population by the Genome Aggregation Database (gnomAD). The available evidence is insufficient to determine the role of this variant in disease conclusively. Therefore, this variant is classified as a Variant of Uncertain Significance.

GeneDx
Classification: Uncertain significance. Last evaluated: 2022-12-23. Review status: criteria provided, single submitter. Criteria: GeneDx Variant Classification Process June 2021. Collection method: clinical testing. Allele origin: germline. Affected: yes.
Comment: Has not been previously published as pathogenic or benign to our knowledge; In silico analysis supports that this missense variant does not alter protein structure/function; Not located in one of the three hot-spot regions of the RYR2 gene, where the majority of pathogenic missense variants occur (Medeiros-Domingo et al., 2009)